The following is an entry in ClinVar:

ClinVar aggregate classification (germline): Pathogenic (0 of 4 stars; one submission).

Conditions:
Chromosome 10q23 deletion syndrome. Also called: Chromosome 10q22.3-q23.2 deletion syndrome. Identifiers: Orphanet 276413, MedGen C4225669, MONDO:0012830, OMIM 612242.

Submission:

Medical Genetics Laboratory, Aldo Moro University of Bari
Classification: Pathogenic for Chromosome 10q23 deletion syndrome. Last evaluated: 2016-12-21. Review status: no assertion criteria provided. Collection method: clinical testing. Allele origin: germline. Inheritance: Autosomal dominant inheritance. Affected: yes.
Comment: This deletion disrupts GRID1 and RNLS (on breakpoints), and involves 32 annotated genes and transcripts, seven of which (i.e. PTEN, BMPR1A, LDB3, GLUD1, MIMPP1, PAPSS2 and KLLN) are associated with human diseases. Patients with JP due to 10q23 deletions appear at increased risk of developing not only thyroid, but also gastrointestinal autoimmune disorders, an aspect that has to be carefully considered in the multidisciplinary patient management, for the associated systemic short- and long-term health consequences.

Literature cited by the submitters: PubMed 28434922.

Single allele

Variant type: Deletion.
Identifiers: ClinVar variation 441234 (VCV000441234.2).